The following is an entry in ClinVar:

NM_004525.3(LRP2):c.1189A>G (p.Ile397Val)

Gene: LRP2 (LDL receptor related protein 2; minus strand). Cytogenetic location: 2q31.1.
Variant type: single nucleotide variant.
Coding change: c.1189A>G on transcript NM_004525.3 (MANE Select); coding-DNA position 1189, A replaced by G.
Protein change: p.Ile397Val; replaces isoleucine 397 with valine.
Molecular consequence: missense variant.
Genome position (GRCh38, 1-based): chr2:169,280,502, T>C on the plus strand (A>G on the coding strand, the complement: LRP2 is on the minus strand). VCF-style: chr2-169280502-T-C. GRCh37 (hg19) VCF-style: chr2-170137012-T-C.
Other names: short protein forms I397V.
Identifiers: ClinVar variation 1623795 (VCV001623795.12), dbSNP rs140575982, ClinGen allele CA1955623.

ClinVar aggregate classification (germline): Conflicting classifications of pathogenicity. Review status: criteria provided, conflicting classifications (1 of 4 stars). 4 submissions from 4 submitters: Uncertain significance (1); Likely benign (2). 1 of the submissions does not count toward it. Last evaluated 2026-01-20.

Conditions:
LRP2-related disorder. Also called: LRP2-related condition.

Allele frequency attached by ClinVar (database versions not stated): gnomAD exomes 0.00005 and 0.00013; ExAC 0.00014; 1000 Genomes Project 30x 0.00016; 1000 Genomes Project 0.00020; gnomAD 0.00049 and 0.00055; TOPMed 0.00069; ESP Exome Variant Server 0.00077.
gnomAD v4.1: 147 of 1,614,118 alleles (0.0091%); highest among the groups gnomAD compares: African/African-American, 0.18%; 1 homozygote.

Submissions (4):

Labcorp Genetics (formerly Invitae), Labcorp
Classification: Likely benign. Last evaluated: 2026-01-20. Review status: criteria provided, single submitter. Criteria: Invitae Variant Classification Sherloc (09022015). Collection method: clinical testing. Allele origin: germline.

Blueprint Genetics
Classification: Likely benign. Last evaluated: 2024-05-14. Review status: criteria provided, single submitter. Criteria: ACMG Guidelines, 2015. Collection method: clinical testing. Allele origin: germline.

GeneDx
Classification: Uncertain significance. Last evaluated: 2022-05-10. Review status: criteria provided, single submitter. Criteria: GeneDx Variant Classification Process June 2021. Collection method: clinical testing. Allele origin: germline. Affected: yes.
Comment: In silico analysis supports that this missense variant does not alter protein structure/function; Has not been previously published as pathogenic or benign to our knowledge

PreventionGenetics, part of Exact Sciences
Classification: Likely benign for LRP2-related condition. Last evaluated: 2024-09-12. Review status: no assertion criteria provided. Collection method: clinical testing. Allele origin: germline. Not counted in ClinVar's aggregate classification.
Comment: This variant is classified as likely benign based on ACMG/AMP sequence variant interpretation guidelines (Richards et al. 2015 PMID: 25741868, with internal and published modifications).